The following is an entry in ClinVar:

ClinVar aggregate classification (germline): Uncertain significance (1 of 4 stars; one submission).

gnomAD v4.1: 4 of 1,614,132 alleles (0.00025%); highest among the groups gnomAD compares: Non-Finnish European, 0.00025%; no homozygotes.

Submission:

Labcorp Genetics (formerly Invitae), Labcorp
Classification: Uncertain significance. Last evaluated: 2026-01-05. Review status: criteria provided, single submitter. Criteria: Invitae Variant Classification Sherloc (09022015). Collection method: clinical testing. Allele origin: germline.
Comment: This sequence change replaces alanine, which is neutral and non-polar, with threonine, which is neutral and polar, at codon 621 of the ADCY1 protein (p.Ala621Thr). This variant is present in population databases (no rsID available, gnomAD 0.0009%). This variant has not been reported in the literature in individuals affected with ADCY1-related conditions. Invitae Evidence Modeling of protein sequence and biophysical properties (such as structural, functional, and spatial information, amino acid conservation, physicochemical variation, residue mobility, and thermodynamic stability) indicates that this missense variant is not expected to disrupt ADCY1 protein function with a negative predictive value of 80%. In summary, the available evidence is currently insufficient to determine the role of this variant in disease. Therefore, it has been classified as a Variant of Uncertain Significance.

NM_021116.4(ADCY1):c.1861G>A (p.Ala621Thr)

Gene: ADCY1 (adenylate cyclase 1; plus strand). Cytogenetic location: 7p12.3.
Variant type: single nucleotide variant.
Coding change: c.1861G>A on transcript NM_021116.4 (MANE Select); coding-DNA position 1861, G replaced by A.
Protein change: p.Ala621Thr; replaces alanine 621 with threonine.
Molecular consequence: missense variant.
Genome position (GRCh38, 1-based): chr7:45,678,226, G>A. VCF-style: chr7-45678226-G-A. GRCh37 (hg19) VCF-style: chr7-45717825-G-A.
Other names: short protein forms A621T.
Identifiers: ClinVar variation 4775551 (VCV004775551.1).
Genomic context (GRCh38, chr7:45,678,226, plus strand): 5'-TACCACCAGCTTCAGGACGAGTATTTCACCAGCGCCGTTGTCCTCACCCTCATCCTGGCT[G>A]CCTTATTTGGCCTTGTCTACCTTCTAATATTCCCACAGTGAGTATTTCTATCAACGAGGT-3'
Protein context (NP_066939.1, residues 611-631): SAVVLTLILA[Ala621Thr]LFGLVYLLIF